The following is an entry in ClinVar:

NM_024675.4(PALB2):c.1181A>C (p.His394Pro)

Gene: PALB2 (partner and localizer of BRCA2; minus strand). Cytogenetic location: 16p12.2.
Variant type: single nucleotide variant.
Coding change: c.1181A>C on transcript NM_024675.4 (MANE Select); coding-DNA position 1181, A replaced by C.
Protein change: p.His394Pro; replaces histidine 394 with proline.
Molecular consequence: missense variant. On other transcripts: intron variant (3).
Genome position (GRCh38, 1-based): chr16:23,635,365, T>G on the plus strand (A>C on the coding strand, the complement: PALB2 is on the minus strand). VCF-style: chr16-23635365-T-G. GRCh37 (hg19) VCF-style: chr16-23646686-T-G.
Other names: c.1121A>C, p.His374Pro (NM_001407296.1); c.1181A>C, p.His394Pro (NM_001407297.1, NM_001407298.1, NM_001407299.1 and 3 more transcripts); c.296A>C, p.His99Pro (NM_001407304.1, NM_001407305.1, NM_001407306.1 and 5 more transcripts); c.48+5745A>C (NM_001407314.1); c.-104-4896A>C (NM_001407313.1, NM_001407312.1); short protein forms H99P, H394P, H374P.
Identifiers: ClinVar variation 2693093 (VCV002693093.3), dbSNP rs762430363, ClinGen allele CA395133348.
Genomic context (GRCh38, chr16:23,635,365, plus strand): 5'-CGTGTTGTTCTAACATAATATTCTGCAGGAAACAGAAGGCCTTCAGGCACTGTGCAAGAA[T>G]GTTTTTCTGCAGAAAGAGGAGAGGTTGCTTCCAGGCTAAGACTCTTAGGTTGACTTAGAA-3'
Protein context (NP_078951.2, residues 384-404): EATSPLSAEK[His394Pro]SCTVPEGLLF

ClinVar aggregate classification (germline): Uncertain significance (1 of 4 stars; one submission).

Conditions:
Familial cancer of breast. Also called: hereditary breast carcinoma; Hereditary breast cancer; BREAST CANCER, FAMILIAL. Identifiers: Orphanet 227535, MedGen C0346153, MONDO:0016419, OMIM 114480. Disease mechanism: loss of function.

Submission:

Labcorp Genetics (formerly Invitae), Labcorp
Classification: Uncertain significance for Familial cancer of breast. Last evaluated: 2023-11-04. Review status: criteria provided, single submitter. Criteria: Invitae Variant Classification Sherloc (09022015). Collection method: clinical testing. Allele origin: germline.
Comment: This sequence change replaces histidine, which is basic and polar, with proline, which is neutral and non-polar, at codon 394 of the PALB2 protein (p.His394Pro). This variant is not present in population databases (gnomAD no frequency). This variant has not been reported in the literature in individuals affected with PALB2-related conditions. Advanced modeling of protein sequence and biophysical properties (such as structural, functional, and spatial information, amino acid conservation, physicochemical variation, residue mobility, and thermodynamic stability) performed at Invitae indicates that this missense variant is not expected to disrupt PALB2 protein function with a negative predictive value of 80%. In summary, the available evidence is currently insufficient to determine the role of this variant in disease. Therefore, it has been classified as a Variant of Uncertain Significance.